The following is an entry in ClinVar:

ClinVar aggregate classification (germline): Uncertain significance (1 of 4 stars; one submission).

Conditions:
Oto-palato-digital syndrome, type II (OPD2). Also called: FACIOPALATOOSSEOUS SYNDROME; OPD II SYNDROME; Otopalatodigital Syndrome, Type II; Otopalatodigital Syndrome Type 2 (FLNA-OPD2). Identifiers: Orphanet 669, Orphanet 90652, MedGen C1844696, MONDO:0010571, OMIM 304120.
Heterotopia, periventricular, X-linked dominant (PVNH1). Also called: PERIVENTRICULAR NODULAR HETEROTOPIA 4; HETEROTOPIA, PERIVENTRICULAR, 1; PERIVENTRICULAR NODULAR HETEROTOPIA 1; X-linked periventricular heterotopia. Identifiers: Orphanet 2149, Orphanet 82004, MedGen C1848213, MONDO:0010233, OMIM 300049.
Melnick-Needles syndrome (MNS). Also called: MELNICK-NEEDLES OSTEODYSPLASTY; OSTEODYSPLASTY OF MELNICK AND NEEDLES; Melnick-Needles Syndrome (FLNA-MNS). Identifiers: Orphanet 2484, MedGen C0025237, MONDO:0010650, OMIM 309350.
Frontometaphyseal dysplasia (FMD1). Identifiers: Orphanet 1826, MedGen C0265293, MONDO:0015942.

Submission:

Labcorp Genetics (formerly Invitae), Labcorp
Classification: Uncertain significance for Oto-palato-digital syndrome, type II; Heterotopia, periventricular, X-linked dominant; Frontometaphyseal dysplasia; Melnick-Needles syndrome. Last evaluated: 2021-01-31. Review status: criteria provided, single submitter. Criteria: Invitae Variant Classification Sherloc (09022015). Collection method: clinical testing. Allele origin: germline.
Comment: This sequence change replaces phenylalanine with leucine at codon 991 of the FLNA protein (p.Phe991Leu). The phenylalanine residue is highly conserved and there is a small physicochemical difference between phenylalanine and leucine. In summary, the available evidence is currently insufficient to determine the role of this variant in disease. Therefore, it has been classified as a Variant of Uncertain Significance. Advanced modeling of protein sequence and biophysical properties (such as structural, functional, and spatial information, amino acid conservation, physicochemical variation, residue mobility, and thermodynamic stability) performed at Invitae indicates that this missense variant is not expected to disrupt FLNA protein function. This variant has not been reported in the literature in individuals with FLNA-related conditions. This variant is not present in population databases (ExAC no frequency).

NM_001110556.2(FLNA):c.2971T>C (p.Phe991Leu)

Gene: FLNA (filamin A; minus strand). Cytogenetic location: Xq28.
Variant type: single nucleotide variant.
Coding change: c.2971T>C on transcript NM_001110556.2 (MANE Select); coding-DNA position 2971, T replaced by C.
Protein change: p.Phe991Leu; replaces phenylalanine 991 with leucine.
Molecular consequence: missense variant.
Genome position (GRCh38, 1-based): chrX:154,361,544, A>G on the plus strand (T>C on the coding strand, the complement: FLNA is on the minus strand). VCF-style: chrX-154361544-A-G. GRCh37 (hg19) VCF-style: chrX-153589912-A-G.
Other names: c.2971T>C, p.Phe991Leu (NM_001456.4); short protein forms F991L.
Identifiers: ClinVar variation 1506200 (VCV001506200.8), dbSNP rs2067711510, ClinGen allele CA415231093.